The following is an entry in ClinVar:

ClinVar aggregate classification (germline): Likely benign. Review status: reviewed by expert panel (3 of 4 stars). 6 submissions from 6 submitters: Likely benign (1). 5 of the submissions do not count toward it. Last evaluated 2017-06-29.

Conditions:
Hereditary cancer-predisposing syndrome. Also called: Hereditary Cancer Syndrome; Tumor predisposition; Neoplastic Syndromes, Hereditary; Hereditary neoplastic syndrome. Identifiers: Orphanet 140162, MedGen C0027672, MeSH D009386, MONDO:0015356.
Breast-ovarian cancer, familial, susceptibility to, 2 (BROVCA2). Also called: BRCA2 Hereditary Breast and Ovarian Cancer. Identifiers: Orphanet 145, MedGen C2675520, MONDO:0012933, OMIM 612555. Disease mechanism: loss of function.
Familial prostate cancer. Also called: Hereditary Prostate Cancer. Identifiers: MedGen C2931456, MONDO:0700275, OMIM 176807.
Hereditary breast ovarian cancer syndrome. Also called: Breast and ovarian cancer; Hereditary breast and ovarian cancer syndrome; BRCA1- and BRCA2-Associated Hereditary Breast and Ovarian Cancer; Hereditary breast and ovarian cancer syndrome (HBOC); Hereditary breast and/or ovarian cancer syndrome; Hereditary breast and ovarian cancer. Identifiers: Orphanet 145, MedGen C0677776, MeSH D061325, MONDO:0003582. Disease mechanism: loss of function.

Allele frequency attached by ClinVar (database versions not stated): gnomAD exomes below 0.00001; ExAC 0.00001.
gnomAD v4.1: 1 of 1,606,468 alleles (0.000062%); highest among the groups gnomAD compares: South Asian, 0.0011%; no homozygotes.

Submissions (6):

Evidence-based Network for the Interpretation of Germline Mutant Alleles (ENIGMA)
Classification: Likely benign for Breast-ovarian cancer, familial, susceptibility to, 2. Last evaluated: 2017-06-29. Review status: reviewed by expert panel. Criteria: ENIGMA BRCA1/2 Classification Criteria (2017-06-29). Collection method: curation. Allele origin: germline.
Comment: Synonymous substitution variant, with low bioinformatic likelihood to result in a splicing aberration (Splicing prior probability 0.02).

Labcorp Genetics (formerly Invitae), Labcorp
Classification: Likely benign for Hereditary breast ovarian cancer syndrome. Last evaluated: 2025-09-20. Review status: criteria provided, single submitter. Criteria: Invitae Variant Classification Sherloc (09022015). Collection method: clinical testing. Allele origin: germline. Not counted in ClinVar's aggregate classification.

Ambry Genetics
Classification: Likely benign for Hereditary cancer-predisposing syndrome. Last evaluated: 2024-01-14. Review status: criteria provided, single submitter. Criteria: Ambry Variant Classification Scheme 2023. Collection method: clinical testing. Allele origin: germline. Not counted in ClinVar's aggregate classification.

Department of Pathology and Laboratory Medicine, Sinai Health System
Classification: Likely benign for Familial prostate cancer. Last evaluated: 2023-06-07. Review status: criteria provided, single submitter. Criteria: ACMG Guidelines, 2015. Collection method: clinical testing. Allele origin: germline. Affected: yes. Not counted in ClinVar's aggregate classification.

Women's Health and Genetics/Laboratory Corporation of America, LabCorp
Classification: Likely benign. Last evaluated: 2023-05-13. Review status: criteria provided, single submitter. Criteria: LabCorp Variant Classification Summary - May 2015. Collection method: clinical testing. Allele origin: germline. Not counted in ClinVar's aggregate classification.

Color Diagnostics, LLC DBA Color Health
Classification: Likely benign for Hereditary cancer-predisposing syndrome. Last evaluated: 2019-12-10. Review status: criteria provided, single submitter. Criteria: ACMG Guidelines, 2015. Collection method: clinical testing. Allele origin: germline. Not counted in ClinVar's aggregate classification.

NM_000059.4(BRCA2):c.6534T>C (p.His2178=)

Gene: BRCA2 (BRCA2 DNA repair associated; plus strand). Cytogenetic location: 13q13.1.
Variant type: single nucleotide variant.
Coding change: c.6534T>C on transcript NM_000059.4 (MANE Select); coding-DNA position 6534, T replaced by C.
Protein change: p.His2178=; no amino-acid change (histidine 2178 retained).
Molecular consequence: synonymous variant.
Genome position (GRCh38, 1-based): chr13:32,340,889, T>C. VCF-style: chr13-32340889-T-C. GRCh37 (hg19) VCF-style: chr13-32915026-T-C.
Identifiers: ClinVar variation 427445 (VCV000427445.12), dbSNP rs747048245, ClinGen allele CA6940967.
Genomic context (GRCh38, chr13:32,340,889, plus strand): 5'-TCAACAAGACAAACAACAGTTGGTATTAGGAACCAAAGTGTCACTTGTTGAGAACATTCA[T>C]GTTTTGGGAAAAGAACAGGCTTCACCTAAAAACGTAAAAATGGAAATTGGTAAAACTGAA-3'
Protein context (NP_000050.3, residues 2168-2188): GTKVSLVENI[His2178=]VLGKEQASPK